The following is an entry in ClinVar:

ClinVar aggregate classification (germline): Uncertain significance (1 of 4 stars; one submission).

gnomAD v4.1: 1 of 1,613,884 alleles (0.000062%); no homozygotes.

Submission:

Labcorp Genetics (formerly Invitae), Labcorp
Classification: Uncertain significance. Last evaluated: 2024-09-06. Review status: criteria provided, single submitter. Criteria: Invitae Variant Classification Sherloc (09022015). Collection method: clinical testing. Allele origin: germline.
Comment: This sequence change replaces leucine, which is neutral and non-polar, with isoleucine, which is neutral and non-polar, at codon 310 of the NDUFAF7 protein (p.Leu310Ile). This variant is not present in population databases (gnomAD no frequency). This variant has not been reported in the literature in individuals affected with NDUFAF7-related conditions. An algorithm developed to predict the effect of missense changes on protein structure and function outputs the following: PolyPhen-2: "Benign". The isoleucine amino acid residue is found in multiple mammalian species, which suggests that this missense change does not adversely affect protein function. In summary, the available evidence is currently insufficient to determine the role of this variant in disease. Therefore, it has been classified as a Variant of Uncertain Significance.

NM_144736.5(NDUFAF7):c.1222C>A (p.Leu408Ile)

Gene: NDUFAF7 (NADH:ubiquinone oxidoreductase complex assembly factor 7; plus strand). Cytogenetic location: 2p22.2.
Variant type: single nucleotide variant.
Coding change: c.1222C>A on transcript NM_144736.5 (MANE Select); coding-DNA position 1222, C replaced by A.
Protein change: p.Leu408Ile; replaces leucine 408 with isoleucine.
Molecular consequence: missense variant. On other transcripts: non-coding transcript variant (10), intron variant (2).
Genome position (GRCh38, 1-based): chr2:37,248,246, C>A. VCF-style: chr2-37248246-C-A. GRCh37 (hg19) VCF-style: chr2-37475389-C-A.
Other names: c.1111-12C>A (NM_001350024.2); c.1030-12C>A (NM_001350025.2); c.928C>A, p.Leu310Ile (NM_001083946.2); c.1009C>A, p.Leu337Ile (NM_001350027.2); short protein forms L310I, L337I, L408I.
Identifiers: ClinVar variation 2800013 (VCV002800013.3), dbSNP rs2465330042, ClinGen allele CA346315072.